The following is an entry in ClinVar:

NM_000061.3(BTK):c.595A>T (p.Lys199Ter)

Gene: BTK (Bruton tyrosine kinase; minus strand). Cytogenetic location: Xq22.1.
Variant type: single nucleotide variant.
Coding change: c.595A>T on transcript NM_000061.3 (MANE Select); coding-DNA position 595, A replaced by T.
Protein change: p.Lys199Ter; replaces lysine 199 with a stop codon.
Molecular consequence: nonsense.
Genome position (GRCh38, 1-based): chrX:101,360,749, T>A on the plus strand (A>T on the coding strand, the complement: BTK is on the minus strand). VCF-style: chrX-101360749-T-A. GRCh37 (hg19) VCF-style: chrX-100615737-T-A.
Other names: c.697A>T, p.Lys233Ter (NM_001287344.2); c.595A>T, p.Lys199Ter (NM_001287345.2); short protein forms K233*, K199*.
Identifiers: ClinVar variation 1412145 (VCV001412145.8), dbSNP rs2147433246, ClinGen allele CA413932492.

ClinVar aggregate classification (germline): Pathogenic (1 of 4 stars; one submission).

Conditions:
X-linked agammaglobulinemia with growth hormone deficiency (IGHD3). Also called: ISOLATED GROWTH HORMONE DEFICIENCY, TYPE III, WITH AGAMMAGLOBULINEMIA; AGAMMAGLOBULINEMIA AND ISOLATED GROWTH HORMONE DEFICIENCY, X-LINKED; FLEISHER SYNDROME; HYPOGAMMAGLOBULINEMIA AND ISOLATED GROWTH HORMONE DEFICIENCY, X-LINKED; IGHD III; Isolated growth hormone deficiency type 3. Identifiers: Orphanet 231692, Orphanet 631, MedGen C0472813, MONDO:0010615, OMIM 307200.

Submission:

Labcorp Genetics (formerly Invitae), Labcorp
Classification: Pathogenic for X-linked agammaglobulinemia with growth hormone deficiency. Last evaluated: 2021-01-19. Review status: criteria provided, single submitter. Criteria: Invitae Variant Classification Sherloc (09022015). Collection method: clinical testing. Allele origin: germline.
Comment: This sequence change creates a premature translational stop signal (p.Lys199*) in the BTK gene. It is expected to result in an absent or disrupted protein product. Loss-of-function variants in BTK are known to be pathogenic (PMID: 15661032, 16862044, 19419768). This variant is not present in population databases (ExAC no frequency). This variant has been observed in individual(s) with hyper IgM syndrome (PMID: 15358621). For these reasons, this variant has been classified as Pathogenic.

Literature cited by the submitters: PubMed 15661032; PubMed 16862044; PubMed 19419768; PubMed 15358621.